The following is an entry in ClinVar:

NM_001384140.1(PCDH15):c.4314G>A (p.Pro1438=)

Gene: PCDH15 (protocadherin related 15; minus strand). Cytogenetic location: 10q21.1.
Variant type: single nucleotide variant.
Coding change: c.4314G>A on transcript NM_001384140.1 (MANE Select); coding-DNA position 4314, G replaced by A.
Protein change: p.Pro1438=; no amino-acid change (proline 1438 retained).
Molecular consequence: synonymous variant.
Genome position (GRCh38, 1-based): chr10:53,827,446, C>T on the plus strand (G>A on the coding strand, the complement: PCDH15 is on the minus strand). VCF-style: chr10-53827446-C-T. GRCh37 (hg19) VCF-style: chr10-55587206-C-T.
Other names: c.4329G>A, p.Pro1443= (NM_001142763.2, NM_001142771.2); c.4314G>A, p.Pro1438= (NM_001142764.2, NM_001142770.3, NM_001142772.2 and 3 more transcripts); c.4101G>A, p.Pro1367= (NM_001142765.2); c.4305G>A, p.Pro1435= (NM_001142766.2); c.4194G>A, p.Pro1398= (NM_001142767.2); c.4248G>A, p.Pro1416= (NM_001142768.2, NM_001354404.2); c.4350G>A, p.Pro1450= (NM_001142769.4); c.4239G>A, p.Pro1413= (NM_001142773.2); and 1 more.
Identifiers: ClinVar variation 506480 (VCV000506480.8), dbSNP rs535913178, ClinGen allele CA469495440.

ClinVar aggregate classification (germline): Likely benign. Review status: criteria provided, multiple submitters, no conflicts (2 of 4 stars). 2 submissions from 2 submitters: Likely benign (2). Last evaluated 2022-08-22.

Submissions (2):

Labcorp Genetics (formerly Invitae), Labcorp
Classification: Likely benign. Last evaluated: 2022-08-22. Review status: criteria provided, single submitter. Criteria: Invitae Variant Classification Sherloc (09022015). Collection method: clinical testing. Allele origin: germline.

GeneDx
Classification: Likely benign. Last evaluated: 2017-11-06. Review status: criteria provided, single submitter. Criteria: GeneDx Variant Classification (06012015). Collection method: clinical testing. Allele origin: germline. Affected: yes.
Comment: This variant is considered likely benign or benign based on one or more of the following criteria: it is a conservative change, it occurs at a poorly conserved position in the protein, it is predicted to be benign by multiple in silico algorithms, and/or has population frequency not consistent with disease.